The following is an entry in ClinVar:

ClinVar aggregate classification (germline): Uncertain significance. Review status: criteria provided, multiple submitters, no conflicts (2 of 4 stars). 2 submissions from 2 submitters: Uncertain significance (2). Last evaluated 2023-12-05.

Conditions:
Cardiomyopathy (CMYO). Also called: Cardiomyopathies. Identifiers: Orphanet 167848, MedGen C0878544, MONDO:0004994, HP:0001638. Inheritance: Various modes of inheritance.
Arrhythmogenic right ventricular dysplasia 10. Also called: Arrhythmogenic Right Ventricular Dysplasia/Cardiomyopathy10; ARRHYTHMOGENIC RIGHT VENTRICULAR DYSPLASIA, FAMILIAL, 10; Arrhythmogenic right ventricular dysplasia/cardiomyopathy, type 10. Identifiers: MedGen C1857777, MONDO:0012434, OMIM 610193.

Allele frequency attached by ClinVar (database versions not stated): gnomAD exomes below 0.00001.
gnomAD v4.1: 1 of 1,613,608 alleles (0.000062%); highest among the groups gnomAD compares: Non-Finnish European, 0.000085%; no homozygotes.

Submissions (2):

Color Diagnostics, LLC DBA Color Health
Classification: Uncertain significance for Cardiomyopathy. Last evaluated: 2023-12-05. Review status: criteria provided, single submitter. Criteria: ACMG Guidelines, 2015. Collection method: clinical testing. Allele origin: germline.
Comment: Variant of Uncertain Significance due to insufficient evidence: This missense variant replaces aspartic acid with asparagine at codon 151 of the DSG2 protein. Computational prediction tools and conservation analyses suggest that this variant may have deleterious impact on the protein function. Computational splicing tools suggest that this variant may not impact RNA splicing. To our knowledge, functional assays have not been performed for this variant nor has this variant been reported in individuals affected with cardiovascular disorders in the literature. This variant is rare in the general population and has been identified in 0/277264 chromosomes by the Genome Aggregation Database (gnomAD). Available evidence is insufficient to determine the role of this variant in disease conclusively.

Labcorp Genetics (formerly Invitae), Labcorp
Classification: Uncertain significance for Arrhythmogenic right ventricular dysplasia 10. Last evaluated: 2022-03-18. Review status: criteria provided, single submitter. Criteria: Invitae Variant Classification Sherloc (09022015). Collection method: clinical testing. Allele origin: germline.
Comment: This sequence change replaces aspartic acid, which is acidic and polar, with asparagine, which is neutral and polar, at codon 151 of the DSG2 protein (p.Asp151Asn). This variant is not present in population databases (gnomAD no frequency). This variant has not been reported in the literature in individuals affected with DSG2-related conditions. ClinVar contains an entry for this variant (Variation ID: 664816). Algorithms developed to predict the effect of missense changes on protein structure and function are either unavailable or do not agree on the potential impact of this missense change (SIFT: "Deleterious"; PolyPhen-2: "Probably Damaging"; Align-GVGD: "Class C15"). In summary, the available evidence is currently insufficient to determine the role of this variant in disease. Therefore, it has been classified as a Variant of Uncertain Significance.

NM_001943.5(DSG2):c.451G>A (p.Asp151Asn)

Gene: DSG2 (desmoglein 2; plus strand). Cytogenetic location: 18q12.1.
Variant type: single nucleotide variant.
Coding change: c.451G>A on transcript NM_001943.5 (MANE Select); coding-DNA position 451, G replaced by A.
Protein change: p.Asp151Asn; replaces aspartic acid 151 with asparagine.
Molecular consequence: missense variant.
Genome position (GRCh38, 1-based): chr18:31,521,171, G>A. VCF-style: chr18-31521171-G-A. GRCh37 (hg19) VCF-style: chr18-29101134-G-A.
Other names: c.451G>A (LRG_397t1); short protein forms D151N.
Identifiers: ClinVar variation 664816 (VCV000664816.13), dbSNP rs1598810722, ClinGen allele CA402132150.